The following is an entry in ClinVar:

NM_002473.6(MYH9):c.517A>C (p.Thr173Pro)

Gene: MYH9 (myosin heavy chain 9; minus strand). Cytogenetic location: 22q12.3.
Variant type: single nucleotide variant.
Coding change: c.517A>C on transcript NM_002473.6 (MANE Select); coding-DNA position 517, A replaced by C.
Protein change: p.Thr173Pro; replaces threonine 173 with proline.
Molecular consequence: missense variant.
Genome position (GRCh38, 1-based): chr22:36,327,462, T>G on the plus strand (A>C on the coding strand, the complement: MYH9 is on the minus strand). VCF-style: chr22-36327462-T-G. GRCh37 (hg19) VCF-style: chr22-36723507-T-G.
Other names: short protein forms T173P.
Identifiers: ClinVar variation 3657121 (VCV003657121.2).

ClinVar aggregate classification (germline): Uncertain significance (1 of 4 stars; one submission).

Submission:

Labcorp Genetics (formerly Invitae), Labcorp
Classification: Uncertain significance. Last evaluated: 2024-06-26. Review status: criteria provided, single submitter. Criteria: Invitae Variant Classification Sherloc (09022015). Collection method: clinical testing. Allele origin: germline.
Comment: This sequence change replaces threonine, which is neutral and polar, with proline, which is neutral and non-polar, at codon 173 of the MYH9 protein (p.Thr173Pro). This variant is not present in population databases (gnomAD no frequency). This variant has not been reported in the literature in individuals affected with MYH9-related conditions. An algorithm developed to predict the effect of missense changes on protein structure and function (PolyPhen-2) suggests that this variant is likely to be disruptive. In summary, the available evidence is currently insufficient to determine the role of this variant in disease. Therefore, it has been classified as a Variant of Uncertain Significance.